The following is an entry in ClinVar:

ClinVar aggregate classification (germline): Pathogenic (1 of 4 stars; one submission).

Conditions:
Bifunctional peroxisomal enzyme deficiency (DBIF). Also called: DBP DEFICIENCY; PBFE DEFICIENCY; D-bifunctional protein deficiency. Identifiers: Orphanet 300, MedGen C0342870, MONDO:0009855, OMIM 261515. Disease mechanism: loss of function.
Perrault syndrome. Also called: Gonadal dysgenesis with auditory dysfunction, autosomal recessive inheritance. Identifiers: Orphanet 2855, MedGen C0685838, MONDO:0017312.

Submission:

Labcorp Genetics (formerly Invitae), Labcorp
Classification: Pathogenic for Perrault syndrome; Bifunctional peroxisomal enzyme deficiency. Last evaluated: 2022-09-25. Review status: criteria provided, single submitter. Criteria: Invitae Variant Classification Sherloc (09022015). Collection method: clinical testing. Allele origin: germline.
Comment: This sequence change creates a premature translational stop signal (p.Pro220Thrfs*12) in the HSD17B4 gene. It is expected to result in an absent or disrupted protein product. Loss-of-function variants in HSD17B4 are known to be pathogenic (PMID: 11810648, 16385454). This variant is not present in population databases (gnomAD no frequency). This variant has not been reported in the literature in individuals affected with HSD17B4-related conditions. For these reasons, this variant has been classified as Pathogenic.

Literature cited by the submitters: PubMed 11810648; PubMed 16385454.

NM_000414.4(HSD17B4):c.657dup (p.Pro220fs)

Gene: HSD17B4 (hydroxysteroid 17-beta dehydrogenase 4; plus strand). Cytogenetic location: 5q23.1.
Variant type: Duplication.
Coding change: c.657dup on transcript NM_000414.4 (MANE Select); coding-DNA position 657, one base duplicated (A; older notation c.657dupA).
Protein change: p.Pro220fs; shifts the reading frame from proline 220.
Molecular consequence: frameshift variant. On other transcripts: non-coding transcript variant (2).
Genome position (GRCh38, 1-based): chr5:119,489,226, A duplicated. VCF-style (leftmost placement, unchanged base first): chr5-119489225-C-CA. GRCh37 (hg19) VCF-style: chr5-118824920-C-CA.
Other names: c.732dup, p.Pro245fs (NM_001199291.3); c.603dup, p.Pro202fs (NM_001199292.2); c.585dup, p.Pro196fs (NM_001292027.2); c.237dup, p.Pro80fs (NM_001292028.2); c.648dup, p.Pro217fs (NM_001374497.1); c.657dup, p.Pro220fs (NM_001374498.1); c.330dup, p.Pro111fs (NM_001374499.1); c.216dup, p.Pro73fs (NM_001374500.1); and 1 more; short protein forms P73fs, P196fs, P220fs, P245fs, P111fs, P202fs, P80fs, P83fs.
Identifiers: ClinVar variation 2032538 (VCV002032538.4), dbSNP rs2531676357, ClinGen allele CA2580072412.